The following is an entry in ClinVar:

ClinVar aggregate classification (germline): Conflicting classifications of pathogenicity. Review status: criteria provided, conflicting classifications (1 of 4 stars). 3 submissions from 3 submitters: Uncertain significance (1); Likely benign (2). Last evaluated 2025-04-11.

Conditions:
Cardiovascular phenotype. Identifiers: MedGen CN230736.

Allele frequency attached by ClinVar (database versions not stated): gnomAD 0.00001 and 0.00005; gnomAD exomes 0.00002 and 0.00003; TOPMed 0.00008.
gnomAD v4.1: 30 of 1,499,758 alleles (0.002%); highest among the groups gnomAD compares: East Asian, 0.048%; 1 homozygote.

Submissions (3):

Ambry Genetics
Classification: Likely benign for Cardiovascular phenotype. Last evaluated: 2025-04-11. Review status: criteria provided, single submitter. Criteria: Ambry Variant Classification Scheme 2023. Collection method: clinical testing. Allele origin: germline.

Blueprint Genetics
Classification: Likely benign. Last evaluated: 2024-10-02. Review status: criteria provided, single submitter. Criteria: ACMG Guidelines, 2015. Collection method: clinical testing. Allele origin: germline.

Labcorp Genetics (formerly Invitae), Labcorp
Classification: Uncertain significance. Last evaluated: 2022-07-24. Review status: criteria provided, single submitter. Criteria: Invitae Variant Classification Sherloc (09022015). Collection method: clinical testing. Allele origin: germline.
Comment: This sequence change affects codon 1060 of the ZNF469 mRNA. It is a 'silent' change, meaning that it does not change the encoded amino acid sequence of the ZNF469 protein. It affects a nucleotide within the consensus splice site. This variant is present in population databases (no rsID available, gnomAD 0.04%). This variant has been observed in individual(s) with keratoconus (PMID: 28622062). ClinVar contains an entry for this variant (Variation ID: 1503807). Algorithms developed to predict the effect of sequence changes on RNA splicing suggest that this variant is not likely to affect RNA splicing. In summary, the available evidence is currently insufficient to determine the role of this variant in disease. Therefore, it has been classified as a Variant of Uncertain Significance.

Literature cited by the submitters: PubMed 28622062 (cited by Labcorp Genetics (formerly Invitae), Labcorp).

NM_001367624.2(ZNF469):c.3264G>A (p.Arg1088=)

Genes: ZNF469 (zinc finger protein 469; plus strand), LOC130059718 (ATAC-STARR-seq lymphoblastoid silent region 7847; plus strand). Cytogenetic location: 16q24.2.
Variant type: single nucleotide variant.
Coding change: c.3264G>A on transcript NM_001367624.2 (MANE Select); coding-DNA position 3264, G replaced by A.
Protein change: p.Arg1088=; no amino-acid change (arginine 1088 retained).
Molecular consequence: synonymous variant.
Genome position (GRCh38, 1-based): chr16:88,430,734, G>A. VCF-style: chr16-88430734-G-A. GRCh37 (hg19) VCF-style: chr16-88497142-G-A.
Other names: NM_001127464.1:c.3180G>A.
Identifiers: ClinVar variation 1503807 (VCV001503807.9), dbSNP rs1339157257, ClinGen allele CA497354039.